The following is an entry in ClinVar:

ClinVar aggregate classification (germline): Uncertain significance. Review status: criteria provided, multiple submitters, no conflicts (2 of 4 stars). 4 submissions from 4 submitters: Uncertain significance (4). Last evaluated 2025-05-20.

Conditions:
Cardiomyopathy (CMYO). Also called: Cardiomyopathies. Identifiers: Orphanet 167848, MedGen C0878544, MONDO:0004994, HP:0001638. Inheritance: Various modes of inheritance.
Catecholaminergic polymorphic ventricular tachycardia (CVPT). Also called: Catecholamine-induced polymorphic ventricular tachycardia. Identifiers: Orphanet 3286, MedGen C5574922, MONDO:0017990.
Cardiovascular phenotype. Identifiers: MedGen CN230736.
Catecholaminergic polymorphic ventricular tachycardia 1. Also called: VENTRICULAR TACHYCARDIA, CATECHOLAMINERGIC POLYMORPHIC, 1, WITH OR WITHOUT ATRIAL DYSFUNCTION AND/OR DILATED CARDIOMYOPATHY; VENTRICULAR TACHYCARDIA, STRESS-INDUCED POLYMORPHIC 1; RYR2-Related Catecholaminergic Polymorphic Ventricular Tachycardia. Identifiers: Orphanet 3286, MedGen C1631597, MONDO:0011484, OMIM 604772.

Allele frequency attached by ClinVar (database versions not stated): gnomAD exomes below 0.00001 and 0.00001; gnomAD 0.00001; TOPMed 0.00001; ExAC 0.00002.
gnomAD v4.1: 7 of 1,613,308 alleles (0.00043%); highest among the groups gnomAD compares: Non-Finnish European, 0.00059%; no homozygotes.

Submissions (4):

Color Diagnostics, LLC DBA Color Health
Classification: Uncertain significance for Cardiomyopathy. Last evaluated: 2025-05-20. Review status: criteria provided, single submitter. Criteria: ACMG Guidelines, 2015. Collection method: clinical testing. Allele origin: germline.
Comment: This variant results in the replacement of arginine with serine at codon 428 in the RYR2 protein. To our knowledge, functional studies have not been reported for this variant. This variant has not been reported in individuals affected with RYR2-related disorders in the literature. This variant has been identified in 2/248928 chromosomes in the general population by the Genome Aggregation Database (gnomAD). The available evidence is insufficient to determine the role of this variant in disease conclusively. Therefore, this variant is classified as a Variant of Uncertain Significance.

All of Us Research Program, National Institutes of Health
Classification: Uncertain significance for Catecholaminergic polymorphic ventricular tachycardia. Last evaluated: 2023-08-15. Review status: criteria provided, single submitter. Criteria: ACMG Guidelines, 2015. Collection method: clinical testing. Allele origin: germline. Inheritance: Autosomal dominant inheritance. Observed: 1 variant allele, 1 heterozygote.
Comment: This variant is located in the RYR2 protein. Computational prediction is inconclusive regarding the impact of this variant on protein structure and function (internally defined REVEL score threshold 0.5 < inconclusive < 0.7, PMID: 27666373). To our knowledge, functional studies have not been reported for this variant. This variant has not been reported in individuals affected with cardiovascular disorders in the literature. This variant has been identified in 2/248928 chromosomes in the general population by the Genome Aggregation Database (gnomAD). The available evidence is insufficient to determine the role of this variant in disease conclusively. Therefore, this variant is classified as a Variant of Uncertain Significance.

This study involves interpretation of variants in research participants for the purpose of population health screening. Participant phenotype was not available at the time of variant classification. Additional details can be found in publication PMID: 35346344, PMCID: PMC8962531

Labcorp Genetics (formerly Invitae), Labcorp
Classification: Uncertain significance for Catecholaminergic polymorphic ventricular tachycardia 1. Last evaluated: 2023-07-24. Review status: criteria provided, single submitter. Criteria: Invitae Variant Classification Sherloc (09022015). Collection method: clinical testing. Allele origin: germline.
Comment: In summary, the available evidence is currently insufficient to determine the role of this variant in disease. Therefore, it has been classified as a Variant of Uncertain Significance. This variant is present in population databases (rs777771262, gnomAD 0.002%). Advanced modeling of protein sequence and biophysical properties (such as structural, functional, and spatial information, amino acid conservation, physicochemical variation, residue mobility, and thermodynamic stability) performed at Invitae indicates that this missense variant is not expected to disrupt RYR2 protein function. ClinVar contains an entry for this variant (Variation ID: 927996). This variant has not been reported in the literature in individuals affected with RYR2-related conditions. This sequence change replaces arginine, which is basic and polar, with serine, which is neutral and polar, at codon 428 of the RYR2 protein (p.Arg428Ser).

Ambry Genetics
Classification: Uncertain significance for Cardiovascular phenotype. Last evaluated: 2019-11-19. Review status: criteria provided, single submitter. Criteria: Ambry Variant Classification Scheme 2023. Collection method: clinical testing. Allele origin: germline.
Comment: The p.R428S variant (also known as c.1284A>T), located in coding exon 14 of the RYR2 gene, results from an A to T substitution at nucleotide position 1284. The arginine at codon 428 is replaced by serine, an amino acid with dissimilar properties. This amino acid position is well conserved in available vertebrate species. In addition, the in silico prediction for this alteration is inconclusive. Since supporting evidence is limited at this time, the clinical significance of this alteration remains unclear.

NM_001035.3(RYR2):c.1284A>T (p.Arg428Ser)

Gene: RYR2 (ryanodine receptor 2; plus strand). Cytogenetic location: 1q43.
Variant type: single nucleotide variant.
Coding change: c.1284A>T on transcript NM_001035.3 (MANE Select); coding-DNA position 1284, A replaced by T.
Protein change: p.Arg428Ser; replaces arginine 428 with serine.
Molecular consequence: missense variant.
Genome position (GRCh38, 1-based): chr1:237,445,514, A>T. VCF-style: chr1-237445514-A-T. GRCh37 (hg19) VCF-style: chr1-237608814-A-T.
Other names: c.1284A>T (NM_001035.2); short protein forms R428S.
Identifiers: ClinVar variation 927996 (VCV000927996.13), dbSNP rs777771262, ClinGen allele CA085249.